The following is an entry in ClinVar:

ClinVar aggregate classification (germline): Uncertain significance. Review status: criteria provided, multiple submitters, no conflicts (2 of 4 stars). 2 submissions from 2 submitters: Uncertain significance (2). Last evaluated 2024-09-28.

Conditions:
Catecholaminergic polymorphic ventricular tachycardia 1. Also called: VENTRICULAR TACHYCARDIA, CATECHOLAMINERGIC POLYMORPHIC, 1, WITH OR WITHOUT ATRIAL DYSFUNCTION AND/OR DILATED CARDIOMYOPATHY; RYR2-Related Catecholaminergic Polymorphic Ventricular Tachycardia; VENTRICULAR TACHYCARDIA, STRESS-INDUCED POLYMORPHIC 1. Identifiers: Orphanet 3286, MedGen C1631597, MONDO:0011484, OMIM 604772.
Cardiomyopathy (CMYO). Also called: Cardiomyopathies. Identifiers: Orphanet 167848, MedGen C0878544, MONDO:0004994, HP:0001638. Inheritance: Various modes of inheritance.

Allele frequency attached by ClinVar (database versions not stated): TOPMed below 0.00001; gnomAD exomes 0.00001.
gnomAD v4.1: 19 of 1,542,556 alleles (0.0012%); highest among the groups gnomAD compares: Non-Finnish European, 0.0016%; no homozygotes.

Submissions (2):

Labcorp Genetics (formerly Invitae), Labcorp
Classification: Uncertain significance for Catecholaminergic polymorphic ventricular tachycardia 1. Last evaluated: 2024-09-28. Review status: criteria provided, single submitter. Criteria: Invitae Variant Classification Sherloc (09022015). Collection method: clinical testing. Allele origin: germline.
Comment: This sequence change replaces arginine, which is basic and polar, with lysine, which is basic and polar, at codon 2788 of the RYR2 protein (p.Arg2788Lys). This variant is present in population databases (no rsID available, gnomAD 0.004%). This missense change has been observed in individual(s) with RYR2-related conditions (PMID: 29247119). ClinVar contains an entry for this variant (Variation ID: 862237). Invitae Evidence Modeling of protein sequence and biophysical properties (such as structural, functional, and spatial information, amino acid conservation, physicochemical variation, residue mobility, and thermodynamic stability) indicates that this missense variant is not expected to disrupt RYR2 protein function with a negative predictive value of 95%. In summary, the available evidence is currently insufficient to determine the role of this variant in disease. Therefore, it has been classified as a Variant of Uncertain Significance.

Color Diagnostics, LLC DBA Color Health
Classification: Uncertain significance for Cardiomyopathy. Last evaluated: 2020-06-24. Review status: criteria provided, single submitter. Criteria: ACMG Guidelines, 2015. Collection method: clinical testing. Allele origin: germline.
Comment: This missense variant replaces arginine with lysine at codon 2788 of the RYR2 protein. Computational prediction suggests that this variant may not impact protein structure and function (internally defined REVEL score threshold <= 0.5, PMID: 27666373). To our knowledge, functional studies have not been reported for this variant. This variant has been reported in a cohort of sudden unexplained deaths (PMID: 29247119). This variant has been identified in 1/154708 chromosomes in the general population by the Genome Aggregation Database (gnomAD). The available evidence is insufficient to determine the role of this variant in disease conclusively. Therefore, this variant is classified as a Variant of Uncertain Significance.

Literature cited by the submitters: PubMed 29247119 (cited by Labcorp Genetics (formerly Invitae), Labcorp).

NM_001035.3(RYR2):c.8363G>A (p.Arg2788Lys)

Gene: RYR2 (ryanodine receptor 2; plus strand). Cytogenetic location: 1q43.
Variant type: single nucleotide variant.
Coding change: c.8363G>A on transcript NM_001035.3 (MANE Select); coding-DNA position 8363, G replaced by A.
Protein change: p.Arg2788Lys; replaces arginine 2788 with lysine.
Molecular consequence: missense variant.
Genome position (GRCh38, 1-based): chr1:237,660,874, G>A. VCF-style: chr1-237660874-G-A. GRCh37 (hg19) VCF-style: chr1-237824174-G-A.
Other names: short protein forms R2788K.
Identifiers: ClinVar variation 862237 (VCV000862237.7), dbSNP rs1374332710, ClinGen allele CA345401866.